The following is an entry in ClinVar:

ClinVar aggregate classification (germline): Pathogenic (0 of 4 stars; one submission).

Conditions:
GLI3-related disorder. Also called: GLI3-related condition; GLI3-related disorders. Identifiers: MedGen CN239292.

Submission:

PreventionGenetics, part of Exact Sciences
Classification: Pathogenic for GLI3-related condition. Last evaluated: 2024-03-27. Review status: no assertion criteria provided. Collection method: clinical testing. Allele origin: germline.
Comment: The GLI3 c.2146C>T variant is predicted to result in premature protein termination (p.Gln716*). This variant was reported in an individual with Pallister-Hall syndrome (Table 1, Johnston et al. 2005. PubMed ID: 15739154). This variant has not been reported in a large population database, indicating this variant is rare. Nonsense variants in GLI3 are expected to be pathogenic. This variant is interpreted as pathogenic.

NM_000168.6(GLI3):c.2146C>T (p.Gln716Ter)

Gene: GLI3 (GLI family zinc finger 3; minus strand). Cytogenetic location: 7p14.1.
Variant type: single nucleotide variant.
Coding change: c.2146C>T on transcript NM_000168.6 (MANE Select); coding-DNA position 2146, C replaced by T.
Protein change: p.Gln716Ter; replaces glutamine 716 with a stop codon.
Molecular consequence: nonsense.
Genome position (GRCh38, 1-based): chr7:41,967,881, G>A on the plus strand (C>T on the coding strand, the complement: GLI3 is on the minus strand). VCF-style: chr7-41967881-G-A. GRCh37 (hg19) VCF-style: chr7-42007479-G-A.
Other names: short protein forms Q716*.
Identifiers: ClinVar variation 3348428 (VCV003348428.1).